The following is an entry in ClinVar:

NM_001110556.2(FLNA):c.2137-3C>T

Gene: FLNA (filamin A; minus strand). Cytogenetic location: Xq28.
Variant type: single nucleotide variant.
Coding change: c.2137-3C>T on transcript NM_001110556.2 (MANE Select); 3 bases into the intron before coding-DNA position 2137, C replaced by T.
Molecular consequence: intron variant.
Genome position (GRCh38, 1-based): chrX:154,364,168, G>A on the plus strand (C>T on the coding strand, the complement: FLNA is on the minus strand). VCF-style: chrX-154364168-G-A. GRCh37 (hg19) VCF-style: chrX-153592536-G-A.
Other names: c.2137-3C>T (NM_001456.4).
Identifiers: ClinVar variation 4782641 (VCV004782641.1).

ClinVar aggregate classification (germline): Uncertain significance (1 of 4 stars; one submission).

Conditions:
Heterotopia, periventricular, X-linked dominant (PVNH1). Also called: PERIVENTRICULAR NODULAR HETEROTOPIA 4; HETEROTOPIA, PERIVENTRICULAR, 1; PERIVENTRICULAR NODULAR HETEROTOPIA 1; X-linked periventricular heterotopia. Identifiers: Orphanet 2149, Orphanet 82004, MedGen C1848213, MONDO:0010233, OMIM 300049.
Oto-palato-digital syndrome, type II (OPD2). Also called: Otopalatodigital Syndrome, Type II; FACIOPALATOOSSEOUS SYNDROME; OPD II SYNDROME; Otopalatodigital Syndrome Type 2 (FLNA-OPD2). Identifiers: Orphanet 669, Orphanet 90652, MedGen C1844696, MONDO:0010571, OMIM 304120.
Melnick-Needles syndrome (MNS). Also called: MELNICK-NEEDLES OSTEODYSPLASTY; OSTEODYSPLASTY OF MELNICK AND NEEDLES; Melnick-Needles Syndrome (FLNA-MNS). Identifiers: Orphanet 2484, MedGen C0025237, MONDO:0010650, OMIM 309350.
Frontometaphyseal dysplasia (FMD1). Identifiers: Orphanet 1826, MedGen C0265293, MONDO:0015942.

gnomAD v4.1: 2 of 1,211,290 alleles (0.00017%); highest among the groups gnomAD compares: Non-Finnish European, 0.00022%; no homozygotes.

Submission:

Labcorp Genetics (formerly Invitae), Labcorp
Classification: Uncertain significance for Oto-palato-digital syndrome, type II; Heterotopia, periventricular, X-linked dominant; Frontometaphyseal dysplasia; Melnick-Needles syndrome. Last evaluated: 2025-10-13. Review status: criteria provided, single submitter. Criteria: Invitae Variant Classification Sherloc (09022015). Collection method: clinical testing. Allele origin: germline.
Comment: This sequence change falls in intron 14 of the FLNA gene. It does not directly change the encoded amino acid sequence of the FLNA protein. It affects a nucleotide within the consensus splice site. This variant is not present in population databases (gnomAD no frequency). This variant has not been reported in the literature in individuals affected with FLNA-related conditions. Variants that disrupt the consensus splice site are a relatively common cause of aberrant splicing (PMID: 17576681, 9536098). Algorithms developed to predict the effect of sequence changes on RNA splicing suggest that this variant is not likely to affect RNA splicing. In summary, the available evidence is currently insufficient to determine the role of this variant in disease. Therefore, it has been classified as a Variant of Uncertain Significance.

Literature cited by the submitters: PubMed 17576681; PubMed 9536098.